The following is an entry in ClinVar:

ClinVar aggregate classification (germline): Uncertain significance (1 of 4 stars; one submission).

Conditions:
Hyperkalemic periodic paralysis. Also called: Familial hyperkalemic periodic paralysis; Gamstorp disease. Identifiers: Orphanet 682, MedGen C0238357, MONDO:0008224, OMIM 170500, HP:0007215.

Allele frequency attached by ClinVar (database versions not stated): ExAC 0.00001.

Submission:

Labcorp Genetics (formerly Invitae), Labcorp
Classification: Uncertain significance for Hyperkalemic periodic paralysis. Last evaluated: 2021-09-15. Review status: criteria provided, single submitter. Criteria: Invitae Variant Classification Sherloc (09022015). Collection method: clinical testing. Allele origin: germline.
Comment: Algorithms developed to predict the effect of missense changes on protein structure and function are either unavailable or do not agree on the potential impact of this missense change (SIFT: "Deleterious"; PolyPhen-2: "Benign"; Align-GVGD: "Class C0"). In summary, the available evidence is currently insufficient to determine the role of this variant in disease. Therefore, it has been classified as a Variant of Uncertain Significance. This variant has not been reported in the literature in individuals affected with SCN4A-related conditions. The frequency data for this variant in the population databases is considered unreliable, as metrics indicate poor data quality at this position in the ExAC database. This sequence change replaces methionine with leucine at codon 138 of the SCN4A protein (p.Met138Leu). The methionine residue is highly conserved and there is a small physicochemical difference between methionine and leucine.

NM_000334.4(SCN4A):c.412A>C (p.Met138Leu)

Gene: SCN4A (sodium voltage-gated channel alpha subunit 4; minus strand). Cytogenetic location: 17q23.3.
Variant type: single nucleotide variant.
Coding change: c.412A>C on transcript NM_000334.4 (MANE Select); coding-DNA position 412, A replaced by C.
Protein change: p.Met138Leu; replaces methionine 138 with leucine.
Molecular consequence: missense variant.
Genome position (GRCh38, 1-based): chr17:63,972,206, T>G on the plus strand (A>C on the coding strand, the complement: SCN4A is on the minus strand). VCF-style: chr17-63972206-T-G. GRCh37 (hg19) VCF-style: chr17-62049566-T-G.
Other names: short protein forms M138L.
Identifiers: ClinVar variation 1519348 (VCV001519348.6), dbSNP rs749604225, ClinGen allele CA8710162.